The following is an entry in ClinVar:

ClinVar aggregate classification (germline): Uncertain significance. Review status: criteria provided, multiple submitters, no conflicts (2 of 4 stars). 2 submissions from 2 submitters: Uncertain significance (2). Last evaluated 2025-07-01.

Conditions:
Encephalopathy, acute, infection-induced (herpes-specific), susceptibility to, 6. Also called: Herpes simplex encephalitis, susceptibility to, 4. Identifiers: Orphanet 1930, MedGen C3553869, MONDO:0013921, OMIM 614850.

Allele frequency attached by ClinVar (database versions not stated): ExAC 0.00001; gnomAD exomes below 0.00001 and 0.00002; TOPMed 0.00001.
gnomAD v4.1: 5 of 1,612,882 alleles (0.00031%); highest among the groups gnomAD compares: East Asian, 0.0045%; no homozygotes.

Submissions (2):

Ambry Genetics
Classification: Uncertain significance. Last evaluated: 2025-07-01. Review status: criteria provided, single submitter. Criteria: Ambry Variant Classification Scheme 2023. Collection method: clinical testing. Allele origin: germline.

Labcorp Genetics (formerly Invitae), Labcorp
Classification: Uncertain significance for Encephalopathy, acute, infection-induced (herpes-specific), susceptibility to, 6. Last evaluated: 2021-09-01. Review status: criteria provided, single submitter. Criteria: Invitae Variant Classification Sherloc (09022015). Collection method: clinical testing. Allele origin: germline.
Comment: This sequence change replaces isoleucine with asparagine at codon 519 of the TICAM1 protein (p.Ile519Asn). The isoleucine residue is weakly conserved and there is a large physicochemical difference between isoleucine and asparagine. This variant is present in population databases (rs772590478, ExAC 0.01%). This variant has not been reported in the literature in individuals affected with TICAM1-related conditions. Algorithms developed to predict the effect of missense changes on protein structure and function are either unavailable or do not agree on the potential impact of this missense change (SIFT: "Tolerated"; PolyPhen-2: "Possibly Damaging"; Align-GVGD: "Class C0"). In summary, the available evidence is currently insufficient to determine the role of this variant in disease. Therefore, it has been classified as a Variant of Uncertain Significance.

NM_182919.4(TICAM1):c.1556T>A (p.Ile519Asn)

Gene: TICAM1 (TIR domain containing adaptor molecule 1; minus strand). Cytogenetic location: 19p13.3.
Variant type: single nucleotide variant.
Coding change: c.1556T>A on transcript NM_182919.4 (MANE Select); coding-DNA position 1556, T replaced by A.
Protein change: p.Ile519Asn; replaces isoleucine 519 with asparagine.
Molecular consequence: missense variant.
Genome position (GRCh38, 1-based): chr19:4,816,822, A>T on the plus strand (T>A on the coding strand, the complement: TICAM1 is on the minus strand). VCF-style: chr19-4816822-A-T. GRCh37 (hg19) VCF-style: chr19-4816834-A-T.
Other names: c.1514T>A, p.Ile505Asn (NM_001385678.1); c.1421T>A, p.Ile474Asn (NM_001385679.1); c.914T>A, p.Ile305Asn (NM_001385680.1); c.1556T>A (NM_182919.2); short protein forms I519N, I305N, I474N, I505N.
Identifiers: ClinVar variation 540507 (VCV000540507.8), dbSNP rs772590478, ClinGen allele CA9105110.